The following is an entry in ClinVar:

ClinVar aggregate classification (germline): Uncertain significance. Review status: criteria provided, multiple submitters, no conflicts (2 of 4 stars). 2 submissions from 2 submitters: Uncertain significance (2). Last evaluated 2024-05-30.

Conditions:
Alpha thalassemia-X-linked intellectual disability syndrome (ATRX). Also called: ALPHA-THALASSEMIA/MENTAL RETARDATION SYNDROME, X-LINKED; ATR, NONDELETION TYPE; ATR-X syndrome; Alpha thalassemia mental retardation syndrome, nondeletion type, X-linked; XLMR hypotonic face syndrome; X-linked alpha-thalassemia-mental retardation syndrome. Identifiers: Orphanet 847, MedGen C1845055, MONDO:0010519, OMIM 301040.
Inborn genetic diseases. Identifiers: MedGen C0950123, MeSH D030342.

Allele frequency attached by ClinVar (database versions not stated): gnomAD 0.00001.
gnomAD v4.1: 1 of 1,197,860 alleles (0.000083%); highest among the groups gnomAD compares: Admixed American, 0.0023%; no homozygotes.

Submissions (2):

Ambry Genetics
Classification: Uncertain significance for Inborn genetic diseases. Last evaluated: 2024-05-30. Review status: criteria provided, single submitter. Criteria: Ambry Variant Classification Scheme 2023. Collection method: clinical testing. Allele origin: germline.
Comment: The c.2978A>G (p.K993R) alteration is located in exon 9 (coding exon 9) of the ATRX gene. This alteration results from an A to G substitution at nucleotide position 2978, causing the lysine (K) at amino acid position 993 to be replaced by an arginine (R). This variant was not reported in population-based cohorts in the Genome Aggregation Database (gnomAD). This amino acid position is well conserved in available vertebrate species. This alteration is predicted to be tolerated by in silico analysis. Based on insufficient or conflicting evidence, the clinical significance of this alteration remains unclear.

Labcorp Genetics (formerly Invitae), Labcorp
Classification: Uncertain significance for Alpha thalassemia-X-linked intellectual disability syndrome. Last evaluated: 2023-12-27. Review status: criteria provided, single submitter. Criteria: Invitae Variant Classification Sherloc (09022015). Collection method: clinical testing. Allele origin: germline.
Comment: This sequence change replaces lysine, which is basic and polar, with arginine, which is basic and polar, at codon 993 of the ATRX protein (p.Lys993Arg). This variant is not present in population databases (gnomAD no frequency). This variant has not been reported in the literature in individuals affected with ATRX-related conditions. Advanced modeling of protein sequence and biophysical properties (such as structural, functional, and spatial information, amino acid conservation, physicochemical variation, residue mobility, and thermodynamic stability) performed at Invitae indicates that this missense variant is not expected to disrupt ATRX protein function with a negative predictive value of 95%. In summary, the available evidence is currently insufficient to determine the role of this variant in disease. Therefore, it has been classified as a Variant of Uncertain Significance.

NM_000489.6(ATRX):c.2978A>G (p.Lys993Arg)

Gene: ATRX (ATRX chromatin remodeler; minus strand). Cytogenetic location: Xq21.1.
Variant type: single nucleotide variant.
Coding change: c.2978A>G on transcript NM_000489.6 (MANE Select); coding-DNA position 2978, A replaced by G.
Protein change: p.Lys993Arg; replaces lysine 993 with arginine.
Molecular consequence: missense variant.
Genome position (GRCh38, 1-based): chrX:77,682,278, T>C on the plus strand (A>G on the coding strand, the complement: ATRX is on the minus strand). VCF-style: chrX-77682278-T-C. GRCh37 (hg19) VCF-style: chrX-76937770-T-C.
Other names: c.2978A>G (NM_000489.3); c.2864A>G, p.Lys955Arg (NM_138270.5); short protein forms K955R, K993R.
Identifiers: ClinVar variation 2737799 (VCV002737799.4), dbSNP rs2071253299, ClinGen allele CA413709128.